The following is an entry in ClinVar:

NM_139318.5(KCNH5):c.2837G>A (p.Ser946Asn)

Gene: KCNH5 (potassium voltage-gated channel subfamily H member 5; minus strand). Cytogenetic location: 14q23.2.
Variant type: single nucleotide variant.
Coding change: c.2837G>A on transcript NM_139318.5 (MANE Select); coding-DNA position 2837, G replaced by A.
Protein change: p.Ser946Asn; replaces serine 946 with asparagine.
Molecular consequence: missense variant. On other transcripts: 3 prime UTR variant (1).
Genome position (GRCh38, 1-based): chr14:62,707,638, C>T on the plus strand (G>A on the coding strand, the complement: KCNH5 is on the minus strand). VCF-style: chr14-62707638-C-T. GRCh37 (hg19) VCF-style: chr14-63174356-C-T.
Other names: c.*804G>A (NM_172375.3); c.2837G>A (NM_139318.3); short protein forms S946N.
Identifiers: ClinVar variation 1367379 (VCV001367379.10), dbSNP rs967009755, ClinGen allele CA262376528.

ClinVar aggregate classification (germline): Uncertain significance. Review status: criteria provided, multiple submitters, no conflicts (2 of 4 stars). 2 submissions from 2 submitters: Uncertain significance (2). Last evaluated 2025-02-11.

Conditions:
Early-infantile DEE. Also called: Early infantile epileptic encephalopathy with suppression bursts; Early infantile epileptic encephalopathy; Ohtahara syndrome. Identifiers: Orphanet 1934, MedGen C0393706, MONDO:0800491.
Inborn genetic diseases. Identifiers: MedGen C0950123, MeSH D030342.

Allele frequency attached by ClinVar (database versions not stated): TOPMed below 0.00001; gnomAD 0.00001; gnomAD exomes 0.00001.
gnomAD v4.1: 11 of 1,581,860 alleles (0.0007%); highest among the groups gnomAD compares: Non-Finnish European, 0.00095%; no homozygotes.

Submissions (2):

Ambry Genetics
Classification: Uncertain significance for Inborn genetic diseases. Last evaluated: 2025-02-11. Review status: criteria provided, single submitter. Criteria: Ambry Variant Classification Scheme 2023. Collection method: clinical testing. Allele origin: germline.

Labcorp Genetics (formerly Invitae), Labcorp
Classification: Uncertain significance for Early-infantile DEE. Last evaluated: 2023-08-17. Review status: criteria provided, single submitter. Criteria: Invitae Variant Classification Sherloc (09022015). Collection method: clinical testing. Allele origin: germline.
Comment: In summary, the available evidence is currently insufficient to determine the role of this variant in disease. Therefore, it has been classified as a Variant of Uncertain Significance. Advanced modeling of protein sequence and biophysical properties (such as structural, functional, and spatial information, amino acid conservation, physicochemical variation, residue mobility, and thermodynamic stability) performed at Invitae indicates that this missense variant is not expected to disrupt KCNH5 protein function. ClinVar contains an entry for this variant (Variation ID: 1367379). This variant has not been reported in the literature in individuals affected with KCNH5-related conditions. This variant is present in population databases (no rsID available, gnomAD 0.003%). This sequence change replaces serine, which is neutral and polar, with asparagine, which is neutral and polar, at codon 946 of the KCNH5 protein (p.Ser946Asn).